The following is an entry in ClinVar:

ClinVar aggregate classification (germline): Benign (0 of 4 stars; one submission).

Conditions:
SIN3B-related disorder. Also called: SIN3B-related condition.

Allele frequency attached by ClinVar (database versions not stated): ESP Exome Variant Server 0.11818; gnomAD 0.12933; TOPMed 0.13430; gnomAD exomes 0.15443; 1000 Genomes Project 30x 0.15490; 1000 Genomes Project 0.15815; ExAC 0.16246.
gnomAD v4.1: 245,917 of 1,613,074 alleles (15%); highest among the groups gnomAD compares: Middle Eastern, 25%; 20,265 homozygotes.

Submission:

PreventionGenetics, part of Exact Sciences
Classification: Benign for SIN3B-related condition. Last evaluated: 2024-06-30. Review status: no assertion criteria provided. Collection method: clinical testing. Allele origin: germline.
Comment: This variant is classified as benign based on ACMG/AMP sequence variant interpretation guidelines (Richards et al. 2015 PMID: 25741868, with internal and published modifications).

NM_001297595.2(SIN3B):c.1452T>C (p.Ser484=)

Gene: SIN3B (SIN3 transcription regulator family member B; plus strand). Cytogenetic location: 19p13.11.
Variant type: single nucleotide variant.
Coding change: c.1452T>C on transcript NM_001297595.2 (MANE Select); coding-DNA position 1452, T replaced by C.
Protein change: p.Ser484=; no amino-acid change (serine 484 retained).
Molecular consequence: synonymous variant.
Genome position (GRCh38, 1-based): chr19:16,865,478, T>C. VCF-style: chr19-16865478-T-C. GRCh37 (hg19) VCF-style: chr19-16976289-T-C.
Other names: c.222T>C, p.Ser74= (NM_001297597.2); c.1548T>C, p.Ser516= (NM_015260.4).
Identifiers: ClinVar variation 3055351 (VCV003055351.2), dbSNP rs2303091, ClinGen allele CA9283206.